The following is an entry in ClinVar:

ClinVar aggregate classification (germline): Uncertain significance (1 of 4 stars; one submission).

Conditions:
ZIC2-related disorder. Also called: ZIC2-related condition.

Submission:

PreventionGenetics, part of Exact Sciences
Classification: Uncertain significance for ZIC2-related condition. Last evaluated: 2022-09-29. Review status: criteria provided, single submitter. Criteria: ACMG Guidelines, 2015. Collection method: clinical testing. Allele origin: germline.
Comment: The ZIC2 c.820A>C variant is predicted to result in the amino acid substitution p.Asn274His. To our knowledge, this variant has not been reported in the literature or in a large population database, indicating this variant is rare. At this time, the clinical significance of this variant is uncertain due to the absence of conclusive functional and genetic evidence.

NM_007129.5(ZIC2):c.820A>C (p.Asn274His)

Gene: ZIC2 (Zic family member 2; plus strand). Cytogenetic location: 13q32.3.
Variant type: single nucleotide variant.
Coding change: c.820A>C on transcript NM_007129.5 (MANE Select); coding-DNA position 820, A replaced by C.
Protein change: p.Asn274His; replaces asparagine 274 with histidine.
Molecular consequence: missense variant.
Genome position (GRCh38, 1-based): chr13:99,982,884, A>C. VCF-style: chr13-99982884-A-C. GRCh37 (hg19) VCF-style: chr13-100635138-A-C.
Other names: short protein forms N274H.
Identifiers: ClinVar variation 2634532 (VCV002634532.1), dbSNP rs2501544823, ClinGen allele CA388638150.